The following is an entry in ClinVar:

ClinVar aggregate classification (germline): Uncertain significance (1 of 4 stars; one submission).

Allele frequency attached by ClinVar (database versions not stated): ExAC 0.00001.
gnomAD v4.1: 3 of 1,614,058 alleles (0.00019%); highest among the groups gnomAD compares: Non-Finnish European, 0.00025%; no homozygotes.

Submission:

Labcorp Genetics (formerly Invitae), Labcorp
Classification: Uncertain significance. Last evaluated: 2024-01-31. Review status: criteria provided, single submitter. Criteria: Invitae Variant Classification Sherloc (09022015). Collection method: clinical testing. Allele origin: germline.
Comment: This sequence change replaces valine, which is neutral and non-polar, with alanine, which is neutral and non-polar, at codon 189 of the RORB protein (p.Val189Ala). This variant is present in population databases (rs781037977, gnomAD 0.0009%). This variant has not been reported in the literature in individuals affected with RORB-related conditions. An algorithm developed to predict the effect of missense changes on protein structure and function (PolyPhen-2) suggests that this variant is likely to be tolerated. In summary, the available evidence is currently insufficient to determine the role of this variant in disease. Therefore, it has been classified as a Variant of Uncertain Significance.

NM_006914.4(RORB):c.566T>C (p.Val189Ala)

Gene: RORB (RAR related orphan receptor B; plus strand). Cytogenetic location: 9q21.13.
Variant type: single nucleotide variant.
Coding change: c.566T>C on transcript NM_006914.4 (MANE Select); coding-DNA position 566, T replaced by C.
Protein change: p.Val189Ala; replaces valine 189 with alanine.
Molecular consequence: missense variant.
Genome position (GRCh38, 1-based): chr9:74,642,744, T>C. VCF-style: chr9-74642744-T-C. GRCh37 (hg19) VCF-style: chr9-77257660-T-C.
Other names: c.599T>C, p.Val200Ala (NM_001365023.1); short protein forms V200A, V189A.
Identifiers: ClinVar variation 2986187 (VCV002986187.3), dbSNP rs781037977, ClinGen allele CA5083394.